The following is an entry in ClinVar:

NM_000256.3(MYBPC3):c.1091-?_2308+?del

Gene: MYBPC3 (myosin binding protein C3; minus strand).
Variant type: Deletion.
Coding change: c.1091-?_2308+?del on transcript NM_000256.3 (MANE Select).
Other names: c.1091-?_2308+?del (LRG_386t1).
Identifiers: ClinVar variation 219725 (VCV000219725.1).

ClinVar aggregate classification (germline): Pathogenic (1 of 4 stars; one submission).

Conditions:
Hypertrophic cardiomyopathy. Also called: HYPERTROPHIC MYOCARDIOPATHY. Identifiers: Orphanet 217569, MedGen C0007194, MeSH D002312, MONDO:0005045, HP:0001639.

Submission:

Labcorp Genetics (formerly Invitae), Labcorp
Classification: Pathogenic for Hypertrophic cardiomyopathy. Last evaluated: 2015-08-03. Review status: criteria provided, single submitter. Criteria: Invitae Variant Classification Sherloc (09022015). Collection method: clinical testing. Allele origin: germline.
Comment: This sequence change is a gross deletion of the genomic region encompassing exons 13-23 of the MYBPC3 gene. This gross deletion removes amino acids Phe365-Asp770 that removes 1/3 of the protein. This region includes functional domains of the MYBPC3 protein (PMID: 24337823) and contains several pathogenic loss of function missense variants reported in individuals affected with hypertrophic cardiomyopathy (PMID: 9562578, 20378854, 20433692), corroborating the functional impact of this deletion. For these reasons, this variant has been classified as Pathogenic.